The following is an entry in ClinVar:

ClinVar aggregate classification (germline): Uncertain significance (1 of 4 stars; one submission).

Submission:

Labcorp Genetics (formerly Invitae), Labcorp
Classification: Uncertain significance. Last evaluated: 2022-10-18. Review status: criteria provided, single submitter. Criteria: Invitae Variant Classification Sherloc (09022015). Collection method: clinical testing. Allele origin: germline.
Comment: In summary, the available evidence is currently insufficient to determine the role of this variant in disease. Therefore, it has been classified as a Variant of Uncertain Significance. This variant disrupts the triple helix domain of COL7A1. Glycine residues within the Gly-Xaa-Yaa repeats of the triple helix domain are required for the structure and stability of fibrillar collagens (PMID: 7695699, 8218237, 19344236), and variants at these glycine residues in COL7A1 are more frequently observed in individuals with disease than in the general population (PMID: 22058051). However, the clinical significance of this observation remains uncertain since only a limited number of affected individuals have been described to date. Advanced modeling of protein sequence and biophysical properties (such as structural, functional, and spatial information, amino acid conservation, physicochemical variation, residue mobility, and thermodynamic stability) performed at Invitae indicates that this missense variant is expected to disrupt COL7A1 protein function. ClinVar contains an entry for this variant (Variation ID: 1373335). This variant has not been reported in the literature in individuals affected with COL7A1-related conditions. This variant is not present in population databases (gnomAD no frequency). This sequence change replaces glycine, which is neutral and non-polar, with arginine, which is basic and polar, at codon 1839 of the COL7A1 protein (p.Gly1839Arg).

Literature cited by the submitters: PubMed 7695699; PubMed 8218237; PubMed 19344236; PubMed 22058051.

NM_000094.4(COL7A1):c.5515G>C (p.Gly1839Arg)

Gene: COL7A1 (collagen type VII alpha 1 chain; minus strand). Cytogenetic location: 3p21.31.
Variant type: single nucleotide variant.
Coding change: c.5515G>C on transcript NM_000094.4 (MANE Select); coding-DNA position 5515, G replaced by C.
Protein change: p.Gly1839Arg; replaces glycine 1839 with arginine.
Molecular consequence: missense variant.
Genome position (GRCh38, 1-based): chr3:48,578,338, C>G on the plus strand (G>C on the coding strand, the complement: COL7A1 is on the minus strand). VCF-style: chr3-48578338-C-G. GRCh37 (hg19) VCF-style: chr3-48615771-C-G.
Other names: short protein forms G1839R.
Identifiers: ClinVar variation 1373335 (VCV001373335.8), dbSNP rs2107691155, ClinGen allele CA352671815.